The following is an entry in ClinVar:

ClinVar aggregate classification (germline): Uncertain significance. Review status: criteria provided, multiple submitters, no conflicts (2 of 4 stars). 3 submissions from 3 submitters: Uncertain significance (3). Last evaluated 2024-05-14.

Conditions:
Tuberous sclerosis 2 (TSC2). Identifiers: Orphanet 805, MedGen C1860707, MONDO:0013199, OMIM 613254.

Allele frequency attached by ClinVar (database versions not stated): gnomAD exomes below 0.00001.

Submissions (3):

Labcorp Genetics (formerly Invitae), Labcorp
Classification: Uncertain significance for Tuberous sclerosis 2. Last evaluated: 2024-05-14. Review status: criteria provided, single submitter. Criteria: Invitae Variant Classification Sherloc (09022015). Collection method: clinical testing. Allele origin: germline.
Comment: This sequence change replaces isoleucine, which is neutral and non-polar, with methionine, which is neutral and non-polar, at codon 44 of the TSC2 protein (p.Ile44Met). This variant is not present in population databases (gnomAD no frequency). This variant has not been reported in the literature in individuals affected with TSC2-related conditions. ClinVar contains an entry for this variant (Variation ID: 207778). Advanced modeling of protein sequence and biophysical properties (such as structural, functional, and spatial information, amino acid conservation, physicochemical variation, residue mobility, and thermodynamic stability) performed at Invitae indicates that this missense variant is not expected to disrupt TSC2 protein function with a negative predictive value of 95%. In summary, the available evidence is currently insufficient to determine the role of this variant in disease. Therefore, it has been classified as a Variant of Uncertain Significance.

Genome-Nilou Lab
Classification: Uncertain significance for Tuberous sclerosis 2. Last evaluated: 2021-11-07. Review status: criteria provided, single submitter. Criteria: ACMG Guidelines, 2015. Collection method: clinical testing. Allele origin: germline. Affected: no.

GeneDx
Classification: Uncertain significance. Last evaluated: 2015-01-14. Review status: criteria provided, single submitter. Criteria: GeneDx Variant Classification (06012015). Collection method: clinical testing. Allele origin: germline. Affected: yes.
Comment: p.Ile44Met (ATA>ATG): c.132 A>G in exon 2 of the TSC2 gene (NM_000548.3) A variant of unknown significance has been identified in the TSC2 gene. The I44M variant has not been published as a mutation, nor has it been reported as a benign polymorphism to our knowledge. It was not observed in approximately 6,500 individuals of European and African American ancestry in the NHLBI Exome Sequencing Project, indicating it is not a common benign variant in these populations. This substitution occurs at a position that is conserved across species, and in silico analysis predicts this variant is probably damaging to the protein structure/function. The I44M variant occurs within a known functional domain of the tuberin protein, where many pathogenic missense mutations have been identified (Northrup et al., 2011; Au et al., 2007). However, the I44M variant is a conservative amino acid substitution, which is not likely to impact secondary protein structure as these residues share similar properties. Therefore, based on the currently available information, it is unclear whether this variant is a pathogenic mutation or a rare benign variant. The variant is found in EPILEPSYV2-1 panel(s).

NM_000548.5(TSC2):c.132A>G (p.Ile44Met)

Gene: TSC2 (TSC complex subunit 2; plus strand). Cytogenetic location: 16p13.3.
Variant type: single nucleotide variant.
Coding change: c.132A>G on transcript NM_000548.5 (MANE Select); coding-DNA position 132, A replaced by G.
Protein change: p.Ile44Met; replaces isoleucine 44 with methionine.
Molecular consequence: missense variant. On other transcripts: 5 prime UTR variant (1), intron variant (1).
Genome position (GRCh38, 1-based): chr16:2,048,747, A>G. VCF-style: chr16-2048747-A-G. GRCh37 (hg19) VCF-style: chr16-2098748-A-G.
Other names: p.I44M:ATA>ATG; c.132A>G, p.Ile44Met (NM_001077183.3, NM_001114382.3, NM_001318827.2 and 4 more transcripts); c.-95A>G (NM_001318831.2); c.165A>G, p.Ile55Met (NM_001318832.2); c.-10+682A>G (NM_001318829.2); short protein forms I44M, I55M.
Identifiers: ClinVar variation 207778 (VCV000207778.11), dbSNP rs796053508, ClinGen allele CA319579.